The following is an entry in ClinVar:

NM_001048174.2(MUTYH):c.1138A>C (p.Thr380Pro)

Gene: MUTYH (mutY DNA glycosylase; minus strand). Cytogenetic location: 1p34.1.
Variant type: single nucleotide variant.
Coding change: c.1138A>C on transcript NM_001048174.2 (MANE Select); coding-DNA position 1138, A replaced by C.
Protein change: p.Thr380Pro; replaces threonine 380 with proline.
Molecular consequence: missense variant. On other transcripts: non-coding transcript variant (2).
Genome position (GRCh38, 1-based): chr1:45,331,521, T>G on the plus strand (A>C on the coding strand, the complement: MUTYH is on the minus strand). VCF-style: chr1-45331521-T-G. GRCh37 (hg19) VCF-style: chr1-45797193-T-G.
Other names: c.1138A>C, p.Thr380Pro (NM_001048171.2, NM_001048173.2, NM_001293195.2); c.1141A>C, p.Thr381Pro (NM_001048172.2); c.1222A>C, p.Thr408Pro (NM_001128425.2); c.1183A>C, p.Thr395Pro (NM_001293190.2); c.1171A>C, p.Thr391Pro (NM_001293191.2); c.862A>C, p.Thr288Pro (NM_001293192.2, NM_001293196.2); c.793A>C, p.Thr265Pro (NM_001350650.2, NM_001350651.2); c.1213A>C, p.Thr405Pro (NM_012222.3); short protein forms T265P, T391P, T288P, T405P, T381P, T395P, T380P, T408P.
Identifiers: ClinVar variation 923050 (VCV000923050.5), dbSNP rs1644852669, ClinGen allele CA340133065.

ClinVar aggregate classification (germline): Uncertain significance. Review status: criteria provided, multiple submitters, no conflicts (2 of 4 stars). 2 submissions from 2 submitters: Uncertain significance (2). Last evaluated 2025-08-27.

Conditions:
Hereditary cancer-predisposing syndrome. Also called: Neoplastic Syndromes, Hereditary; Tumor predisposition; Hereditary Cancer Syndrome; Hereditary neoplastic syndrome. Identifiers: Orphanet 140162, MedGen C0027672, MeSH D009386, MONDO:0015356.

Submissions (2):

Ambry Genetics
Classification: Uncertain significance for Hereditary cancer-predisposing syndrome. Last evaluated: 2025-08-27. Review status: criteria provided, single submitter. Criteria: Ambry Variant Classification Scheme 2023. Collection method: clinical testing. Allele origin: germline.
Comment: The p.T408P variant (also known as c.1222A>C), located in coding exon 13 of the MUTYH gene, results from an A to C substitution at nucleotide position 1222. The threonine at codon 408 is replaced by proline, an amino acid with highly similar properties. This amino acid position is conserved. In addition, this alteration is predicted to be tolerated by in silico analysis. Based on the available evidence, the clinical significance of this variant remains unclear.

Color Diagnostics, LLC DBA Color Health
Classification: Uncertain significance for Hereditary cancer-predisposing syndrome. Last evaluated: 2024-03-06. Review status: criteria provided, single submitter. Criteria: ACMG Guidelines, 2015. Collection method: clinical testing. Allele origin: germline.
Comment: This missense variant replaces threonine with proline at codon 408 of the MUTYH protein. Computational prediction is inconclusive regarding the impact of this variant on protein structure and function (internally defined REVEL score threshold 0.5 < inconclusive < 0.7, PMID: 27666373). Splice site prediction tools suggest that this variant may not impact RNA splicing. To our knowledge, functional studies have not been reported for this variant. This variant has not been reported in individuals affected with hereditary cancer in the literature. This variant has not been identified in the general population by the Genome Aggregation Database (gnomAD). The available evidence is insufficient to determine the role of this variant in disease conclusively. Therefore, this variant is classified as a Variant of Uncertain Significance.